The following is an entry in ClinVar:

NM_152424.4(AMER1):c.116G>T (p.Gly39Val)

Gene: AMER1 (APC membrane recruitment protein 1; minus strand). Cytogenetic location: Xq11.2.
Variant type: single nucleotide variant.
Coding change: c.116G>T on transcript NM_152424.4 (MANE Select); coding-DNA position 116, G replaced by T.
Protein change: p.Gly39Val; replaces glycine 39 with valine.
Molecular consequence: missense variant.
Genome position (GRCh38, 1-based): chrX:64,193,171, C>A on the plus strand (G>T on the coding strand, the complement: AMER1 is on the minus strand). VCF-style: chrX-64193171-C-A. GRCh37 (hg19) VCF-style: chrX-63413051-C-A.
Other names: c.116G>T (NM_152424.3); short protein forms G39V.
Identifiers: ClinVar variation 1676168 (VCV001676168.39), dbSNP rs199995488, ClinGen allele CA10432532.

ClinVar aggregate classification (germline): Benign/Likely benign. Review status: criteria provided, multiple submitters, no conflicts (2 of 4 stars). 3 submissions from 3 submitters: Benign (1); Likely benign (2). Last evaluated 2026-05-01.

Conditions:
Inborn genetic diseases. Identifiers: MedGen C0950123, MeSH D030342.

Allele frequency attached by ClinVar (database versions not stated): TOPMed 0.00006; gnomAD 0.00007 and 0.00008; gnomAD exomes 0.00010 and 0.00011; ExAC 0.00011.
gnomAD v4.1: 123 of 1,210,118 alleles (0.01%); highest among the groups gnomAD compares: Non-Finnish European, 0.013%; no homozygotes.

Submissions (3):

CeGaT Center for Human Genetics Tuebingen
Classification: Likely benign. Last evaluated: 2026-05-01. Review status: criteria provided, single submitter. Criteria: CeGaT Center For Human Genetics Tuebingen Variant Classification Criteria Version 2. Collection method: clinical testing. Allele origin: germline. Affected: yes. Observed: 4 variant alleles.
Comment: AMER1: BP4, BS2

Labcorp Genetics (formerly Invitae), Labcorp
Classification: Benign. Last evaluated: 2025-10-31. Review status: criteria provided, single submitter. Criteria: Invitae Variant Classification Sherloc (09022015). Collection method: clinical testing. Allele origin: germline.

Ambry Genetics
Classification: Likely benign for Inborn genetic diseases. Last evaluated: 2021-11-30. Review status: criteria provided, single submitter. Criteria: Ambry Variant Classification Scheme 2023. Collection method: clinical testing. Allele origin: germline.